The following is an entry in ClinVar:

ClinVar aggregate classification (germline): Uncertain significance. Review status: criteria provided, multiple submitters, no conflicts (2 of 4 stars). 2 submissions from 2 submitters: Uncertain significance (2). Last evaluated 2025-08-11.

Allele frequency attached by ClinVar (database versions not stated): gnomAD 0.00001; TOPMed 0.00001; ExAC 0.00002; gnomAD exomes 0.00003.
gnomAD v4.1: 39 of 1,613,898 alleles (0.0024%); highest among the groups gnomAD compares: Non-Finnish European, 0.0031%; no homozygotes.

Submissions (2):

Labcorp Genetics (formerly Invitae), Labcorp
Classification: Uncertain significance. Last evaluated: 2025-08-11. Review status: criteria provided, single submitter. Criteria: Invitae Variant Classification Sherloc (09022015). Collection method: clinical testing. Allele origin: germline.
Comment: This sequence change replaces methionine, which is neutral and non-polar, with valine, which is neutral and non-polar, at codon 365 of the SLCO5A1 protein (p.Met365Val). This variant is present in population databases (rs759103704, gnomAD 0.006%). This variant has not been reported in the literature in individuals affected with SLCO5A1-related conditions. ClinVar contains an entry for this variant (Variation ID: 3165871). An algorithm developed to predict the effect of missense changes on protein structure and function (PolyPhen-2) suggests that this variant is likely to be tolerated. In summary, the available evidence is currently insufficient to determine the role of this variant in disease. Therefore, it has been classified as a Variant of Uncertain Significance.

Ambry Genetics
Classification: Uncertain significance. Last evaluated: 2023-10-05. Review status: criteria provided, single submitter. Criteria: Ambry Variant Classification Scheme 2023. Collection method: clinical testing. Allele origin: germline.

NM_030958.3(SLCO5A1):c.1093A>G (p.Met365Val)

Gene: SLCO5A1 (solute carrier organic anion transporter family member 5A1; minus strand). Cytogenetic location: 8q13.3.
Variant type: single nucleotide variant.
Coding change: c.1093A>G on transcript NM_030958.3 (MANE Select); coding-DNA position 1093, A replaced by G.
Protein change: p.Met365Val; replaces methionine 365 with valine.
Molecular consequence: missense variant.
Genome position (GRCh38, 1-based): chr8:69,755,589, T>C on the plus strand (A>G on the coding strand, the complement: SLCO5A1 is on the minus strand). VCF-style: chr8-69755589-T-C. GRCh37 (hg19) VCF-style: chr8-70667824-T-C.
Other names: c.1093A>G, p.Met365Val (NM_001146008.2, NM_001146009.1); short protein forms M365V.
Identifiers: ClinVar variation 3165871 (VCV003165871.2), dbSNP rs759103704, ClinGen allele CA4776654.
Genomic context (GRCh38, chr8:69,755,589, plus strand): 5'-AAAATTTTTTCTTTTTCTTTTTCTTGTGTCGAGGTGGAAGCTTTTTTGGGAAAGTAAACA[T>C]TGGGAATATCACAAGAAACATTGCAATGGCACAAAGGAGGAATCCACTCCACCTAAAAAA-3'
Protein context (NP_112220.2, residues 355-375): AIAMFLVIFP[Met365Val]FTFPKKLPPR